The following is an entry in ClinVar:

NM_031942.5(CDCA7):c.419G>A (p.Arg140His)

Gene: CDCA7 (cell division cycle associated 7; plus strand). Cytogenetic location: 2q31.1.
Variant type: single nucleotide variant.
Coding change: c.419G>A on transcript NM_031942.5 (MANE Select); coding-DNA position 419, G replaced by A.
Protein change: p.Arg140His; replaces arginine 140 with histidine.
Molecular consequence: missense variant.
Genome position (GRCh38, 1-based): chr2:173,363,260, G>A. VCF-style: chr2-173363260-G-A. GRCh37 (hg19) VCF-style: chr2-174227988-G-A.
Other names: c.182G>A, p.Arg61His (NM_145810.3); short protein forms R140H, R61H.
Identifiers: ClinVar variation 1063500 (VCV001063500.9), dbSNP rs532800376, ClinGen allele CA1971237.

ClinVar aggregate classification (germline): Uncertain significance (1 of 4 stars; one submission).

Allele frequency attached by ClinVar (database versions not stated): gnomAD exomes below 0.00001 and 0.00001; gnomAD 0.00001 and 0.00003; ExAC 0.00002; TOPMed 0.00002; 1000 Genomes Project 30x 0.00047; 1000 Genomes Project 0.00060.

Submission:

Labcorp Genetics (formerly Invitae), Labcorp
Classification: Uncertain significance. Last evaluated: 2023-11-28. Review status: criteria provided, single submitter. Criteria: Invitae Variant Classification Sherloc (09022015). Collection method: clinical testing. Allele origin: germline.
Comment: This sequence change replaces arginine, which is basic and polar, with histidine, which is basic and polar, at codon 140 of the CDCA7 protein (p.Arg140His). This variant is present in population databases (rs532800376, gnomAD 0.02%). This variant has not been reported in the literature in individuals affected with CDCA7-related conditions. ClinVar contains an entry for this variant (Variation ID: 1063500). Advanced modeling of protein sequence and biophysical properties (such as structural, functional, and spatial information, amino acid conservation, physicochemical variation, residue mobility, and thermodynamic stability) performed at Invitae indicates that this missense variant is not expected to disrupt CDCA7 protein function with a negative predictive value of 80%. In summary, the available evidence is currently insufficient to determine the role of this variant in disease. Therefore, it has been classified as a Variant of Uncertain Significance.